The following is an entry in ClinVar:

NM_003106.4(SOX2):c.54G>C (p.Ser18=)

Genes: SOX2 (SRY-box transcription factor 2; plus strand), SOX2-OT (SOX2 overlapping transcript; plus strand), LOC108281177 (SOX2 5' regulatory region; plus strand). Cytogenetic location: 3q26.33.
Variant type: single nucleotide variant.
Coding change: c.54G>C on transcript NM_003106.4 (MANE Select); coding-DNA position 54, G replaced by C.
Protein change: p.Ser18=; no amino-acid change (serine 18 retained).
Molecular consequence: synonymous variant.
Genome position (GRCh38, 1-based): chr3:181,712,414, G>C. VCF-style: chr3-181712414-G-C. GRCh37 (hg19) VCF-style: chr3-181430202-G-C.
Identifiers: ClinVar variation 193252 (VCV000193252.13), dbSNP rs757913217, ClinGen allele CA238766.

ClinVar aggregate classification (germline): Conflicting classifications of pathogenicity. Review status: criteria provided, conflicting classifications (1 of 4 stars). 4 submissions from 4 submitters: Uncertain significance (1); Likely benign (3). Last evaluated 2024-08-06.

Conditions:
Anophthalmia/microphthalmia-esophageal atresia syndrome (MCOPS3). Also called: AEG SYNDROME; SOX2 Disorder; MICROPHTHALMIA AND ESOPHAGEAL ATRESIA SYNDROME. Identifiers: Orphanet 77298, MedGen C1859773, MONDO:0008799, OMIM 206900.

Allele frequency attached by ClinVar (database versions not stated): TOPMed 0.00009; gnomAD 0.00012 and 0.00013.

Submissions (4):

Blueprint Genetics
Classification: Likely benign. Last evaluated: 2024-08-06. Review status: criteria provided, single submitter. Criteria: ACMG Guidelines, 2015. Collection method: clinical testing. Allele origin: germline.

Labcorp Genetics (formerly Invitae), Labcorp
Classification: Likely benign for Anophthalmia/microphthalmia-esophageal atresia syndrome. Last evaluated: 2024-06-26. Review status: criteria provided, single submitter. Criteria: Invitae Variant Classification Sherloc (09022015). Collection method: clinical testing. Allele origin: germline.

GeneDx
Classification: Likely benign. Last evaluated: 2018-04-30. Review status: criteria provided, single submitter. Criteria: GeneDx Variant Classification (06012015). Collection method: clinical testing. Allele origin: germline. Affected: yes.
Comment: This variant is considered likely benign or benign based on one or more of the following criteria: it is a conservative change, it occurs at a poorly conserved position in the protein, it is predicted to be benign by multiple in silico algorithms, and/or has population frequency not consistent with disease.

Eurofins Ntd Llc (ga)
Classification: Uncertain significance. Last evaluated: 2014-12-10. Review status: criteria provided, single submitter. Criteria: EGL Classification Definitions 2015. Collection method: clinical testing. Allele origin: germline. Observed: 1 variant allele, 1 heterozygote.